The following is an entry in ClinVar:

ClinVar aggregate classification (germline): Uncertain significance (1 of 4 stars; one submission).

Submission:

Labcorp Genetics (formerly Invitae), Labcorp
Classification: Uncertain significance. Last evaluated: 2025-12-08. Review status: criteria provided, single submitter. Criteria: Invitae Variant Classification Sherloc (09022015). Collection method: clinical testing. Allele origin: germline.
Comment: This sequence change replaces methionine, which is neutral and non-polar, with valine, which is neutral and non-polar, at codon 318 of the STN1 protein (p.Met318Val). This variant is not present in population databases (gnomAD no frequency). This variant has not been reported in the literature in individuals affected with STN1-related conditions. ClinVar contains an entry for this variant (Variation ID: 1487653). An algorithm developed to predict the effect of missense changes on protein structure and function outputs the following: PolyPhen-2: "Benign". The valine amino acid residue is found in multiple mammalian species, which suggests that this missense change does not adversely affect protein function. In summary, the available evidence is currently insufficient to determine the role of this variant in disease. Therefore, it has been classified as a Variant of Uncertain Significance.

NM_024928.5(STN1):c.952A>G (p.Met318Val)

Gene: STN1 (STN1 subunit of CST complex; minus strand). Cytogenetic location: 10q24.33.
Variant type: single nucleotide variant.
Coding change: c.952A>G on transcript NM_024928.5 (MANE Select); coding-DNA position 952, A replaced by G.
Protein change: p.Met318Val; replaces methionine 318 with valine.
Molecular consequence: missense variant.
Genome position (GRCh38, 1-based): chr10:103,882,839, T>C on the plus strand (A>G on the coding strand, the complement: STN1 is on the minus strand). VCF-style: chr10-103882839-T-C. GRCh37 (hg19) VCF-style: chr10-105642597-T-C.
Other names: short protein forms M318V.
Identifiers: ClinVar variation 1487653 (VCV001487653.8), dbSNP rs1843079528, ClinGen allele CA378043013.